The following is an entry in ClinVar:

NM_001291303.3(FAT4):c.1896C>G (p.Phe632Leu)

Gene: FAT4 (FAT atypical cadherin 4; plus strand). Cytogenetic location: 4q28.1.
Variant type: single nucleotide variant.
Coding change: c.1896C>G on transcript NM_001291303.3 (MANE Select); coding-DNA position 1896, C replaced by G.
Protein change: p.Phe632Leu; replaces phenylalanine 632 with leucine.
Molecular consequence: missense variant.
Genome position (GRCh38, 1-based): chr4:125,318,307, C>G. VCF-style: chr4-125318307-C-G. GRCh37 (hg19) VCF-style: chr4-126239462-C-G.
Other names: c.1896C>G, p.Phe632Leu (NM_001291285.3, NM_024582.6); short protein forms F632L.
Identifiers: ClinVar variation 3695194 (VCV003695194.2).

ClinVar aggregate classification (germline): Uncertain significance (1 of 4 stars; one submission).

gnomAD v4.1: 2 of 1,614,104 alleles (0.00012%); highest among the groups gnomAD compares: Non-Finnish European, 0.000085%; no homozygotes.

Submission:

Labcorp Genetics (formerly Invitae), Labcorp
Classification: Uncertain significance. Last evaluated: 2024-11-27. Review status: criteria provided, single submitter. Criteria: Invitae Variant Classification Sherloc (09022015). Collection method: clinical testing. Allele origin: germline.
Comment: This sequence change replaces phenylalanine, which is neutral and non-polar, with leucine, which is neutral and non-polar, at codon 632 of the FAT4 protein (p.Phe632Leu). This variant is not present in population databases (gnomAD no frequency). This variant has not been reported in the literature in individuals affected with FAT4-related conditions. Invitae Evidence Modeling of protein sequence and biophysical properties (such as structural, functional, and spatial information, amino acid conservation, physicochemical variation, residue mobility, and thermodynamic stability) indicates that this missense variant is not expected to disrupt FAT4 protein function with a negative predictive value of 80%. In summary, the available evidence is currently insufficient to determine the role of this variant in disease. Therefore, it has been classified as a Variant of Uncertain Significance.